The following is an entry in ClinVar:

ClinVar aggregate classification (germline): Uncertain significance (1 of 4 stars; one submission).

Submission:

GeneDx
Classification: Uncertain significance. Last evaluated: 2023-03-27. Review status: criteria provided, single submitter. Criteria: GeneDx Variant Classification Process June 2021. Collection method: clinical testing. Allele origin: germline. Affected: yes.
Comment: Not observed at significant frequency in large population cohorts (gnomAD); Has not been previously published as pathogenic or benign to our knowledge; In silico analysis is inconclusive as to whether the variant alters gene splicing. In the absence of RNA/functional studies, the actual effect of this sequence change is unknown.

NM_052867.4(NALCN):c.3691-10T>G

Gene: NALCN (sodium leak channel, non-selective; minus strand). Cytogenetic location: 13q32.3.
Variant type: single nucleotide variant.
Coding change: c.3691-10T>G on transcript NM_052867.4 (MANE Select); 10 bases into the intron before coding-DNA position 3691, T replaced by G.
Molecular consequence: intron variant.
Genome position (GRCh38, 1-based): chr13:101,082,893, A>C on the plus strand (T>G on the coding strand, the complement: NALCN is on the minus strand). VCF-style: chr13-101082893-A-C. GRCh37 (hg19) VCF-style: chr13-101735244-A-C.
Other names: c.3604-10T>G (NM_001350751.2, NM_001350750.2); c.3691-10T>G (NM_001350749.2); c.3778-10T>G (NM_001350748.2).
Identifiers: ClinVar variation 2582037 (VCV002582037.1), dbSNP rs1039867717, ClinGen allele CA2582341732.
Genomic context (GRCh38, chr13:101,082,893, plus strand): 5'-AACAACTGACATTGTTGCCAAAGGTACGGTCACCGGGTCCTCGACGTCCCACTGCAACAG[A>C]AACAGCACACGAGTCGTTGCCCACGTCCATCGGACACATACAGGCTTGCCCCTCTTCTGC-3'